The following is an entry in ClinVar:

NM_153033.5(KCTD7):c.727G>A (p.Asp243Asn)

Gene: KCTD7 (potassium channel tetramerization domain containing 7; plus strand). Cytogenetic location: 7q11.21.
Variant type: single nucleotide variant.
Coding change: c.727G>A on transcript NM_153033.5 (MANE Select); coding-DNA position 727, G replaced by A.
Protein change: p.Asp243Asn; replaces aspartic acid 243 with asparagine.
Molecular consequence: missense variant.
Genome position (GRCh38, 1-based): chr7:66,639,089, G>A. VCF-style: chr7-66639089-G-A. GRCh37 (hg19) VCF-style: chr7-66104076-G-A.
Other names: c.727G>A, p.Asp243Asn (NM_001167961.2); short protein forms D243N.
Identifiers: ClinVar variation 1693304 (VCV001693304.3), dbSNP rs2116775565, ClinGen allele CA367697389.

ClinVar aggregate classification (germline): Uncertain significance (1 of 4 stars; one submission).

Conditions:
Progressive myoclonic epilepsy type 3. Also called: EPILEPSY, PROGRESSIVE MYOCLONIC, 3, WITHOUT INTRACELLULAR INCLUSIONS; EPILEPSY, PROGRESSIVE MYOCLONIC, 3, WITH OR WITHOUT INTRACELLULAR INCLUSIONS; CEROID LIPOFUSCINOSIS, NEURONAL, 14; KCTD7-Related Progressive Myoclonic Epilepsy. Identifiers: Orphanet 263516, MedGen C2673257, MONDO:0012721, OMIM 611726.

Allele frequency attached by ClinVar (database versions not stated): gnomAD exomes below 0.00001.
gnomAD v4.1: 1 of 1,614,166 alleles (0.000062%); highest among the groups gnomAD compares: Non-Finnish European, 0.000085%; no homozygotes.

Submission:

Illumina Laboratory Services, Illumina
Classification: Uncertain significance for Progressive myoclonic epilepsy type 3. Last evaluated: 2022-02-23. Review status: criteria provided, single submitter. Criteria: ICSLVariantClassificationCriteria RUGD 01 April 2020. Collection method: clinical testing. Allele origin: unknown.
Comment: The KCTD7 c.727G>A (p.Asp243Asn) missense variant results in the substitution of aspartic acid at amino acid position 243 with asparagine. To our knowledge, this variant has not been reported in the peer-reviewed literature. This variant is not found in version 2.1.1 or version 3.1.2 of the Genome Aggregation Database. Based on the available evidence, the c.727G>A (p.Asp243Asn) variant is classified as a variant of uncertain significance for progressive myoclonic epilepsy.